The following is an entry in ClinVar:

ClinVar aggregate classification (germline): Uncertain significance. Review status: criteria provided, multiple submitters, no conflicts (2 of 4 stars). 2 submissions from 2 submitters: Uncertain significance (2). Last evaluated 2025-11-12.

Conditions:
Bethlem myopathy 1A. Also called: Bethlem myopathy 1; Bethlem Muscular Dystrophy; MYOPATHY, BENIGN CONGENITAL, WITH CONTRACTURES. Identifiers: Orphanet 610, MedGen CN029274, MONDO:0024530, OMIM 158810.

Allele frequency attached by ClinVar (database versions not stated): gnomAD exomes below 0.00001.
gnomAD v4.1: 3 of 1,614,032 alleles (0.00019%); highest among the groups gnomAD compares: Non-Finnish European, 0.00025%; no homozygotes.

Submissions (2):

Labcorp Genetics (formerly Invitae), Labcorp
Classification: Uncertain significance for Bethlem myopathy 1A. Last evaluated: 2025-11-12. Review status: criteria provided, single submitter. Criteria: Invitae Variant Classification Sherloc (09022015). Collection method: clinical testing. Allele origin: germline.
Comment: This sequence change replaces aspartic acid, which is acidic and polar, with glutamic acid, which is acidic and polar, at codon 2589 of the COL6A3 protein (p.Asp2589Glu). This variant is not present in population databases (gnomAD no frequency). This variant has not been reported in the literature in individuals affected with COL6A3-related conditions. ClinVar contains an entry for this variant (Variation ID: 1489686). Experimental studies and prediction algorithms are not available or were not evaluated, and the functional significance of this variant is currently unknown. In summary, the available evidence is currently insufficient to determine the role of this variant in disease. Therefore, it has been classified as a Variant of Uncertain Significance.

Revvity Omics, Revvity
Classification: Uncertain significance. Last evaluated: 2024-06-24. Review status: criteria provided, single submitter. Criteria: ACMG Guidelines, 2015. Collection method: clinical testing. Allele origin: germline.

NM_004369.4(COL6A3):c.7767C>A (p.Asp2589Glu)

Gene: COL6A3 (collagen type VI alpha 3 chain; minus strand). Cytogenetic location: 2q37.3.
Variant type: single nucleotide variant.
Coding change: c.7767C>A on transcript NM_004369.4 (MANE Select); coding-DNA position 7767, C replaced by A.
Protein change: p.Asp2589Glu; replaces aspartic acid 2589 with glutamic acid.
Molecular consequence: missense variant.
Genome position (GRCh38, 1-based): chr2:237,341,149, G>T on the plus strand (C>A on the coding strand, the complement: COL6A3 is on the minus strand). VCF-style: chr2-237341149-G-T. GRCh37 (hg19) VCF-style: chr2-238249792-G-T.
Other names: c.5946C>A, p.Asp1982Glu (NM_057166.5); c.7149C>A, p.Asp2383Glu (NM_057167.4); short protein forms D2383E, D1982E, D2589E.
Identifiers: ClinVar variation 1489686 (VCV001489686.9), dbSNP rs1553546746, ClinGen allele CA351198370.